The following is an entry in ClinVar:

NM_175614.5(NDUFA11):c.275T>C (p.Leu92Pro)

Gene: NDUFA11 (NADH:ubiquinone oxidoreductase subunit A11; minus strand). Cytogenetic location: 19p13.3.
Variant type: single nucleotide variant.
Coding change: c.275T>C on transcript NM_175614.5 (MANE Select); coding-DNA position 275, T replaced by C.
Protein change: p.Leu92Pro; replaces leucine 92 with proline.
Molecular consequence: missense variant. On other transcripts: non-coding transcript variant (1).
Genome position (GRCh38, 1-based): chr19:5,896,491, A>G on the plus strand (T>C on the coding strand, the complement: NDUFA11 is on the minus strand). VCF-style: chr19-5896491-A-G. GRCh37 (hg19) VCF-style: chr19-5896502-A-G.
Other names: c.275T>C, p.Leu92Pro (NM_001193375.3); short protein forms L92P.
Identifiers: ClinVar variation 3667911 (VCV003667911.2).

ClinVar aggregate classification (germline): Uncertain significance (1 of 4 stars; one submission).

Submission:

Labcorp Genetics (formerly Invitae), Labcorp
Classification: Uncertain significance. Last evaluated: 2024-11-19. Review status: criteria provided, single submitter. Criteria: Invitae Variant Classification Sherloc (09022015). Collection method: clinical testing. Allele origin: germline.
Comment: This sequence change replaces leucine, which is neutral and non-polar, with proline, which is neutral and non-polar, at codon 92 of the NDUFA11 protein (p.Leu92Pro). This variant is not present in population databases (gnomAD no frequency). This variant has not been reported in the literature in individuals affected with NDUFA11-related conditions. An algorithm developed to predict the effect of missense changes on protein structure and function (PolyPhen-2) suggests that this variant is likely to be disruptive. In summary, the available evidence is currently insufficient to determine the role of this variant in disease. Therefore, it has been classified as a Variant of Uncertain Significance.